The following is an entry in ClinVar:

ClinVar aggregate classification (germline): Conflicting classifications of pathogenicity. Review status: criteria provided, conflicting classifications (1 of 4 stars). 2 submissions from 2 submitters: Uncertain significance (1); Likely benign (1). Last evaluated 2025-05-19.

Conditions:
Inborn genetic diseases. Identifiers: MedGen C0950123, MeSH D030342.
Spastic paraplegia. Identifiers: MedGen C0037772, HP:0001258.

Allele frequency attached by ClinVar (database versions not stated): gnomAD exomes 0.00001; ExAC 0.00005; TOPMed 0.00005; gnomAD 0.00006.
gnomAD v4.1: 22 of 1,614,012 alleles (0.0014%); highest among the groups gnomAD compares: African/African-American, 0.023%; no homozygotes.

Submissions (2):

Ambry Genetics
Classification: Likely benign for Inborn genetic diseases. Last evaluated: 2025-05-19. Review status: criteria provided, single submitter. Criteria: Ambry Variant Classification Scheme 2023. Collection method: clinical testing. Allele origin: germline.

Labcorp Genetics (formerly Invitae), Labcorp
Classification: Uncertain significance for Spastic paraplegia. Last evaluated: 2025-02-26. Review status: criteria provided, single submitter. Criteria: Invitae Variant Classification Sherloc (09022015). Collection method: clinical testing. Allele origin: germline.
Comment: This sequence change replaces histidine, which is basic and polar, with proline, which is neutral and non-polar, at codon 134 of the ZFYVE26 protein (p.His134Pro). This variant is present in population databases (rs775232283, gnomAD 0.04%). This variant has not been reported in the literature in individuals affected with ZFYVE26-related conditions. ClinVar contains an entry for this variant (Variation ID: 1895917). An algorithm developed to predict the effect of missense changes on protein structure and function outputs the following: PolyPhen-2: "Benign". The proline amino acid residue is found in multiple mammalian species, which suggests that this missense change does not adversely affect protein function. In summary, the available evidence is currently insufficient to determine the role of this variant in disease. Therefore, it has been classified as a Variant of Uncertain Significance.

NM_015346.4(ZFYVE26):c.401A>C (p.His134Pro)

Gene: ZFYVE26 (zinc finger FYVE-type containing 26; minus strand). Cytogenetic location: 14q24.1.
Variant type: single nucleotide variant.
Coding change: c.401A>C on transcript NM_015346.4 (MANE Select); coding-DNA position 401, A replaced by C.
Protein change: p.His134Pro; replaces histidine 134 with proline.
Molecular consequence: missense variant.
Genome position (GRCh38, 1-based): chr14:67,807,883, T>G on the plus strand (A>C on the coding strand, the complement: ZFYVE26 is on the minus strand). VCF-style: chr14-67807883-T-G. GRCh37 (hg19) VCF-style: chr14-68274600-T-G.
Other names: c.401A>C (NM_015346.3); short protein forms H134P.
Identifiers: ClinVar variation 1895917 (VCV001895917.4), dbSNP rs775232283, ClinGen allele CA7240792.